The following is an entry in ClinVar:

NM_001364905.1(LRBA):c.4457C>T (p.Ala1486Val)

Gene: LRBA (LPS responsive beige-like anchor protein; minus strand). Cytogenetic location: 4q31.3.
Variant type: single nucleotide variant.
Coding change: c.4457C>T on transcript NM_001364905.1 (MANE Select); coding-DNA position 4457, C replaced by T.
Protein change: p.Ala1486Val; replaces alanine 1486 with valine.
Molecular consequence: missense variant.
Genome position (GRCh38, 1-based): chr4:150,844,662, G>A on the plus strand (C>T on the coding strand, the complement: LRBA is on the minus strand). VCF-style: chr4-150844662-G-A. GRCh37 (hg19) VCF-style: chr4-151765814-G-A.
Other names: c.4457C>T, p.Ala1486Val (NM_001199282.3, NM_001367550.1, NM_006726.5); short protein forms A1486V.
Identifiers: ClinVar variation 939501 (VCV000939501.6), dbSNP rs149639181, ClinGen allele CA3102792.

ClinVar aggregate classification (germline): Uncertain significance. Review status: criteria provided, multiple submitters, no conflicts (2 of 4 stars). 2 submissions from 2 submitters: Uncertain significance (2). Last evaluated 2026-08-31.

Conditions:
Combined immunodeficiency due to LRBA deficiency. Also called: Common variable immunodeficiency 8, with autoimmunity. Identifiers: Orphanet 445018, MedGen C3553512, MONDO:0013863, OMIM 614700.
LRBA-related disorder. Also called: LRBA-related condition.

Allele frequency attached by ClinVar (database versions not stated): gnomAD exomes 0.00005 and 0.00007; ESP Exome Variant Server 0.00008; ExAC 0.00009; TOPMed 0.00009; gnomAD 0.00010 and 0.00011; 1000 Genomes Project 30x 0.00031; 1000 Genomes Project 0.00040.
gnomAD v4.1: 94 of 1,610,646 alleles (0.0058%); highest among the groups gnomAD compares: African/African-American, 0.019%; no homozygotes.

Submissions (2):

PreventionGenetics, part of Exact Sciences
Classification: Uncertain significance for LRBA-related condition. Last evaluated: 2026-08-31. Review status: criteria provided, single submitter. Criteria: ACMG Guidelines, 2015. Collection method: clinical testing. Allele origin: germline.
Comment: The LRBA c.4457C>T variant is predicted to result in the amino acid substitution p.Ala1486Val. This variant has been reported in a study of individuals with proliferative diabetic retinopathy (Ung et al. 2017. PubMed ID: 28431867). This variant is reported in 0.016% of alleles in individuals of African descent in gnomAD. At this time, the clinical significance of this variant is uncertain due to the absence of conclusive functional and genetic evidence.

Labcorp Genetics (formerly Invitae), Labcorp
Classification: Uncertain significance for Combined immunodeficiency due to LRBA deficiency. Last evaluated: 2022-10-03. Review status: criteria provided, single submitter. Criteria: Invitae Variant Classification Sherloc (09022015). Collection method: clinical testing. Allele origin: germline.
Comment: This sequence change replaces alanine, which is neutral and non-polar, with valine, which is neutral and non-polar, at codon 1486 of the LRBA protein (p.Ala1486Val). This variant is present in population databases (rs149639181, gnomAD 0.02%). This variant has not been reported in the literature in individuals affected with LRBA-related conditions. ClinVar contains an entry for this variant (Variation ID: 939501). Advanced modeling of protein sequence and biophysical properties (such as structural, functional, and spatial information, amino acid conservation, physicochemical variation, residue mobility, and thermodynamic stability) performed at Invitae indicates that this missense variant is not expected to disrupt LRBA protein function. In summary, the available evidence is currently insufficient to determine the role of this variant in disease. Therefore, it has been classified as a Variant of Uncertain Significance.